The following is an entry in ClinVar:

ClinVar aggregate classification (germline): Uncertain significance (1 of 4 stars; one submission).

Allele frequency attached by ClinVar (database versions not stated): gnomAD exomes below 0.00001; ExAC 0.00004; gnomAD 0.00009; TOPMed 0.00011.

Submission:

Labcorp Genetics (formerly Invitae), Labcorp
Classification: Uncertain significance. Last evaluated: 2022-03-14. Review status: criteria provided, single submitter. Criteria: Invitae Variant Classification Sherloc (09022015). Collection method: clinical testing. Allele origin: germline.
Comment: The frequency data for this variant in the population databases is considered unreliable, as metrics indicate poor data quality at this position in the gnomAD database. In summary, the available evidence is currently insufficient to determine the role of this variant in disease. Therefore, it has been classified as a Variant of Uncertain Significance. Experimental studies and prediction algorithms are not available or were not evaluated, and the functional significance of this variant is currently unknown. This variant has not been reported in the literature in individuals affected with CUL7-related conditions. This variant, c.2127_2129dup, results in the insertion of 1 amino acid(s) of the CUL7 protein (p.Ala710dup), but otherwise preserves the integrity of the reading frame.

NM_014780.5(CUL7):c.2127_2129dup (p.Ala710_Cys711insAla)

Gene: CUL7 (cullin 7; minus strand). Cytogenetic location: 6p21.1.
Variant type: Duplication.
Coding change: c.2127_2129dup on transcript NM_014780.5 (MANE Select); coding-DNA positions 2127 to 2129, 3 bases duplicated (TGC; older notation c.2127_2129dupTGC).
Protein change: p.Ala710_Cys711insAla.
Molecular consequence: inframe insertion.
Genome position (GRCh38, 1-based): chr6:43,048,188-43,048,190, GCA duplicated on the plus strand (TGC on the coding strand, the reverse complement: CUL7 is on the minus strand). VCF-style (leftmost placement, unchanged base first): chr6-43048187-G-GGCA. GRCh37 (hg19) VCF-style: chr6-43015925-G-GGCA.
Other names: c.2223_2225dup, p.Ala742_Cys743insAla (NM_001168370.2, NM_001374872.1); c.2127_2129dup, p.Ala710_Cys711insAla (NM_001374873.1, NM_001374874.1).
Identifiers: ClinVar variation 2188222 (VCV002188222.4), dbSNP rs778027659, ClinGen allele CA3813980.